The following is an entry in ClinVar:

NM_012203.1(GRHPR):c.866-25CT[9]

Gene: GRHPR (glyoxylate and hydroxypyruvate reductase; plus strand). Cytogenetic location: 9p13.2.
Variant type: Microsatellite.
Coding change: c.866-25CT[9] on transcript NM_012203.1; nine copies in a row of the 2-base unit CT starting at c.866-25.
Molecular consequence: intron variant (on NM_012203.2).
Genome position: GRCh38 VCF-style: chr9-37436635-C-CCT. GRCh37 (hg19) VCF-style: chr9-37436632-C-CCT.
Other names: c.866-10_866-9dupTC (NM_012203.2); c.866-25CT[9] (NM_012203.2).
Identifiers: ClinVar variation 204227 (VCV000204227.15), dbSNP rs34302950, ClinGen allele CA5059321.

ClinVar aggregate classification (germline): Benign. Review status: criteria provided, multiple submitters, no conflicts (2 of 4 stars). 6 submissions from 6 submitters: Benign (4). 2 of the submissions do not count toward it. Last evaluated 2026-06-19.

Conditions:
Primary hyperoxaluria, type II (HP2). Also called: D-GLYCERATE DEHYDROGENASE DEFICIENCY; GLYCERIC ACIDURIA; GLYOXYLATE REDUCTASE/HYDROXYPYRUVATE REDUCTASE DEFICIENCY; OXALOSIS II; Primary hyperoxaluria type 2. Identifiers: Orphanet 416, Orphanet 93599, MedGen C0268165, MONDO:0009824, OMIM 260000. Disease mechanism: loss of function.

Submissions (6):

Women's Health and Genetics/Laboratory Corporation of America, LabCorp
Classification: Benign. Last evaluated: 2026-06-19. Review status: criteria provided, single submitter. Criteria: LabCorp Variant Classification Summary - May 2015. Collection method: clinical testing. Allele origin: germline.
Comment: Variant summary: GRHPR c.866-10_866-9dupTC alters a nucleotide located at a position not widely known to affect splicing. Consensus agreement among computation tools predict no significant impact on normal splicing. However, these predictions have yet to be confirmed by functional studies. The variant allele was found at a frequency of 0.17 in 1516950 control chromosomes in the gnomAD database, including 7536 homozygotes. The observed variant frequency exceeds the estimated maximal expected allele frequency for disease-causing variants in GRHPR. To our knowledge, no occurrence of c.866-10_866-9dupTC in individuals affected with GRHPR-related conditions and no experimental evidence demonstrating its impact on protein function have been reported. ClinVar contains an entry for this variant (Variation ID: 204227). Based on the evidence outlined above, the variant was classified as benign.

Labcorp Genetics (formerly Invitae), Labcorp
Classification: Benign. Last evaluated: 2025-12-19. Review status: criteria provided, single submitter. Criteria: Invitae Variant Classification Sherloc (09022015). Collection method: clinical testing. Allele origin: germline.

GeneDx
Classification: Benign. Last evaluated: 2020-06-02. Review status: criteria provided, single submitter. Criteria: GeneDx Variant Classification Process June 2021. Collection method: clinical testing. Allele origin: germline. Affected: yes.

PreventionGenetics, part of Exact Sciences
Classification: Benign. Review status: criteria provided, single submitter. Criteria: ACMG Guidelines, 2015. Collection method: clinical testing. Allele origin: germline.

Clinical Biochemistry Laboratory, Health Services Laboratory
Classification: Uncertain significance for Primary hyperoxaluria, type II. Last evaluated: 2014-11-27. Review status: no assertion criteria provided. Collection method: research. Allele origin: germline. Affected: yes. Not counted in ClinVar's aggregate classification.

GeneReviews
Classification: Benign for Hyperoxaluria, Primary, Type 2. Last evaluated: 2011-05-05. Review status: no assertion criteria provided. Collection method: curation. Allele origin: unknown. Not counted in ClinVar's aggregate classification.
ClinVar note: Converted during submission from benign to Benign.

Literature cited by the submitters: PubMed 14635115 (cited by Clinical Biochemistry Laboratory, Health Services Laboratory).